The following is an entry in ClinVar:

ClinVar aggregate classification (germline): Uncertain significance (1 of 4 stars; one submission).

Submission:

Labcorp Genetics (formerly Invitae), Labcorp
Classification: Uncertain significance. Last evaluated: 2024-01-31. Review status: criteria provided, single submitter. Criteria: Invitae Variant Classification Sherloc (09022015). Collection method: clinical testing. Allele origin: germline.
Comment: This sequence change replaces asparagine, which is neutral and polar, with isoleucine, which is neutral and non-polar, at codon 179 of the MSH3 protein (p.Asn179Ile). This variant is not present in population databases (gnomAD no frequency). This variant has not been reported in the literature in individuals affected with MSH3-related conditions. ClinVar contains an entry for this variant (Variation ID: 1490155). An algorithm developed to predict the effect of missense changes on protein structure and function (PolyPhen-2) suggests that this variant is likely to be tolerated. In summary, the available evidence is currently insufficient to determine the role of this variant in disease. Therefore, it has been classified as a Variant of Uncertain Significance.

NM_002439.5(MSH3):c.536A>T (p.Asn179Ile)

Gene: MSH3 (mutS homolog 3; plus strand). Cytogenetic location: 5q14.1.
Variant type: single nucleotide variant.
Coding change: c.536A>T on transcript NM_002439.5 (MANE Select); coding-DNA position 536, A replaced by T.
Protein change: p.Asn179Ile; replaces asparagine 179 with isoleucine.
Molecular consequence: missense variant.
Genome position (GRCh38, 1-based): chr5:80,665,320, A>T. VCF-style: chr5-80665320-A-T. GRCh37 (hg19) VCF-style: chr5-79961139-A-T.
Other names: short protein forms N179I.
Identifiers: ClinVar variation 1490155 (VCV001490155.8), dbSNP rs771327705, ClinGen allele CA360264344.
Genomic context (GRCh38, chr5:80,665,320, plus strand): 5'-GATTTGCAGTTCTGCCAAAATGTACTGATTTTGATGATATCAGTCTTCTACACGCAAAGA[A>T]TGCAGTTTCTTCTGAAGATTCGAAACGTCAAATTAATCAAAAGGTATGTAACTGCTATAG-3'
Protein context (NP_002430.3, residues 169-189): FDDISLLHAK[Asn179Ile]AVSSEDSKRQ